The following is an entry in ClinVar:

ClinVar aggregate classification (germline): Uncertain significance (1 of 4 stars; one submission).

Conditions:
Werner syndrome (WRN). Identifiers: Orphanet 902, MedGen C0043119, MONDO:0010196, OMIM 277700.

Allele frequency attached by ClinVar (database versions not stated): 1000 Genomes Project 30x 0.00016.
gnomAD v4.1: 4 of 1,613,412 alleles (0.00025%); highest among the groups gnomAD compares: South Asian, 0.0044%; no homozygotes.

Submission:

Labcorp Genetics (formerly Invitae), Labcorp
Classification: Uncertain significance for Werner syndrome. Last evaluated: 2022-06-21. Review status: criteria provided, single submitter. Criteria: Invitae Variant Classification Sherloc (09022015). Collection method: clinical testing. Allele origin: germline.
Comment: This sequence change replaces leucine, which is neutral and non-polar, with isoleucine, which is neutral and non-polar, at codon 414 of the WRN protein (p.Leu414Ile). This variant is present in population databases (no rsID available, gnomAD 0.003%). This variant has not been reported in the literature in individuals affected with WRN-related conditions. Algorithms developed to predict the effect of missense changes on protein structure and function are either unavailable or do not agree on the potential impact of this missense change (SIFT: "Not Available"; PolyPhen-2: "Benign"; Align-GVGD: "Not Available"). In summary, the available evidence is currently insufficient to determine the role of this variant in disease. Therefore, it has been classified as a Variant of Uncertain Significance.

NM_000553.6(WRN):c.1240C>A (p.Leu414Ile)

Gene: WRN (WRN RecQ like helicase; plus strand). Cytogenetic location: 8p12.
Variant type: single nucleotide variant.
Coding change: c.1240C>A on transcript NM_000553.6 (MANE Select); coding-DNA position 1240, C replaced by A.
Protein change: p.Leu414Ile; replaces leucine 414 with isoleucine.
Molecular consequence: missense variant.
Genome position (GRCh38, 1-based): chr8:31,081,267, C>A. VCF-style: chr8-31081267-C-A. GRCh37 (hg19) VCF-style: chr8-30938783-C-A.
Other names: short protein forms L414I.
Identifiers: ClinVar variation 2087824 (VCV002087824.1), dbSNP rs587778755, ClinGen allele CA370921429.
Genomic context (GRCh38, chr8:31,081,267, plus strand): 5'-TCGTTAGATATTACAGAACATGAACTCCAAATTTTGGAACAGCAGTCTCAGGAAGAATAT[C>A]TTAGTGATATTGCTTATAAATCTACTGAGGTACTAAATAAAGAGGAAGCACATTTTTAGT-3'
Protein context (NP_000544.2, residues 404-424): ILEQQSQEEY[Leu414Ile]SDIAYKSTEH